The following is an entry in ClinVar:

NM_000094.4(COL7A1):c.5856+6T>C

Gene: COL7A1 (collagen type VII alpha 1 chain; minus strand). Cytogenetic location: 3p21.31.
Variant type: single nucleotide variant.
Coding change: c.5856+6T>C on transcript NM_000094.4 (MANE Select); 6 bases into the intron after coding-DNA position 5856, T replaced by C.
Molecular consequence: intron variant.
Genome position (GRCh38, 1-based): chr3:48,575,861, A>G on the plus strand (T>C on the coding strand, the complement: COL7A1 is on the minus strand). VCF-style: chr3-48575861-A-G. GRCh37 (hg19) VCF-style: chr3-48613294-A-G.
Identifiers: ClinVar variation 4775839 (VCV004775839.1).

ClinVar aggregate classification (germline): Uncertain significance (1 of 4 stars; one submission).

gnomAD v4.1: 2 of 1,613,888 alleles (0.00012%); highest among the groups gnomAD compares: African/African-American, 0.0027%; no homozygotes.

Submission:

Labcorp Genetics (formerly Invitae), Labcorp
Classification: Uncertain significance. Last evaluated: 2025-02-13. Review status: criteria provided, single submitter. Criteria: Invitae Variant Classification Sherloc (09022015). Collection method: clinical testing. Allele origin: germline.
Comment: This sequence change falls in intron 71 of the COL7A1 gene. It does not directly change the encoded amino acid sequence of the COL7A1 protein. It affects a nucleotide within the consensus splice site. This variant is present in population databases (rs759475299, gnomAD 0.007%). This variant has not been reported in the literature in individuals affected with COL7A1-related conditions. Variants that disrupt the consensus splice site are a relatively common cause of aberrant splicing (PMID: 17576681, 9536098). Algorithms developed to predict the effect of sequence changes on RNA splicing suggest that this variant is not likely to affect RNA splicing. In summary, the available evidence is currently insufficient to determine the role of this variant in disease. Therefore, it has been classified as a Variant of Uncertain Significance.

Literature cited by the submitters: PubMed 17576681; PubMed 9536098.